The following is an entry in ClinVar:

NM_000071.3(CBS):c.676G>T (p.Ala226Ser)

Gene: CBS (cystathionine beta-synthase; minus strand). Cytogenetic location: 21q22.3.
Variant type: single nucleotide variant.
Coding change: c.676G>T on transcript NM_000071.3 (MANE Select); coding-DNA position 676, G replaced by T.
Protein change: p.Ala226Ser; replaces alanine 226 with serine.
Molecular consequence: missense variant.
Genome position (GRCh38, 1-based): chr21:43,065,263, C>A on the plus strand (G>T on the coding strand, the complement: CBS is on the minus strand). VCF-style: chr21-43065263-C-A. GRCh37 (hg19) VCF-style: chr21-44485373-C-A.
Other names: c.676G>T, p.Ala226Ser (NM_001178008.3, NM_001178009.3, NM_001320298.2); c.361G>T, p.Ala121Ser (NM_001321072.1); short protein forms A226S, A121S.
Identifiers: ClinVar variation 3004170 (VCV003004170.3), dbSNP rs763835246, ClinGen allele CA410600648.

ClinVar aggregate classification (germline): Likely pathogenic (1 of 4 stars; one submission).

Conditions:
HYPERHOMOCYSTEINEMIA, THROMBOTIC, CBS-RELATED. Identifiers: MedGen C3150344, OMIM 236200.

Submission:

Labcorp Genetics (formerly Invitae), Labcorp
Classification: Likely pathogenic for HYPERHOMOCYSTEINEMIA, THROMBOTIC, CBS-RELATED. Last evaluated: 2022-11-29. Review status: criteria provided, single submitter. Criteria: Invitae Variant Classification Sherloc (09022015). Collection method: clinical testing. Allele origin: germline.
Comment: This sequence change replaces alanine, which is neutral and non-polar, with serine, which is neutral and polar, at codon 226 of the CBS protein (p.Ala226Ser). This variant is not present in population databases (gnomAD no frequency). This variant has not been reported in the literature in individuals affected with CBS-related conditions. Advanced modeling of protein sequence and biophysical properties (such as structural, functional, and spatial information, amino acid conservation, physicochemical variation, residue mobility, and thermodynamic stability) performed at Invitae indicates that this missense variant is expected to disrupt CBS protein function. This variant disrupts the p.Ala226 amino acid residue in CBS. Other variant(s) that disrupt this residue have been determined to be pathogenic (PMID: 14635102, 15365998, 21520339, 22267502). This suggests that this residue is clinically significant, and that variants that disrupt this residue are likely to be disease-causing. In summary, the currently available evidence indicates that the variant is pathogenic, but additional data are needed to prove that conclusively. Therefore, this variant has been classified as Likely Pathogenic.

Literature cited by the submitters: PubMed 14635102; PubMed 15365998; PubMed 21520339; PubMed 22267502.